The following is an entry in ClinVar:

ClinVar aggregate classification (germline): Uncertain significance. Review status: criteria provided, multiple submitters, no conflicts (2 of 4 stars). 2 submissions from 2 submitters: Uncertain significance (2). Last evaluated 2022-07-05.

Conditions:
Congenital muscular dystrophy due to integrin alpha-7 deficiency. Also called: MYOPATHY, CONGENITAL, DUE TO INTEGRIN ALPHA-7 DEFICIENCY; Congenital muscular dystrophy with integrin alpha-7 deficiency; Muscular dystrophy, congenital, due to ITGA7 deficiency. Identifiers: Orphanet 34520, MedGen C2750786, MONDO:0013177, OMIM 613204.

Allele frequency attached by ClinVar (database versions not stated): TOPMed 0.00001; gnomAD 0.00010 and 0.00012; ExAC 0.00015; gnomAD exomes 0.00016.

Submissions (2):

Labcorp Genetics (formerly Invitae), Labcorp
Classification: Uncertain significance for Congenital muscular dystrophy due to integrin alpha-7 deficiency. Last evaluated: 2022-07-05. Review status: criteria provided, single submitter. Criteria: Invitae Variant Classification Sherloc (09022015). Collection method: clinical testing. Allele origin: germline.
Comment: This variant has not been reported in the literature in individuals affected with ITGA7-related conditions. This variant is present in population databases (rs201796615, gnomAD 0.1%). This sequence change replaces asparagine, which is neutral and polar, with isoleucine, which is neutral and non-polar, at codon 1001 of the ITGA7 protein (p.Asn1001Ile). ClinVar contains an entry for this variant (Variation ID: 1001861). In summary, the available evidence is currently insufficient to determine the role of this variant in disease. Therefore, it has been classified as a Variant of Uncertain Significance. Algorithms developed to predict the effect of missense changes on protein structure and function are either unavailable or do not agree on the potential impact of this missense change (SIFT: "Tolerated"; PolyPhen-2: "Possibly Damaging"; Align-GVGD: "Class C0").

GeneDx
Classification: Uncertain significance. Last evaluated: 2021-04-30. Review status: criteria provided, single submitter. Criteria: GeneDx Variant Classification Process June 2021. Collection method: clinical testing. Allele origin: germline. Affected: yes.
Comment: In silico analysis, which includes protein predictors and evolutionary conservation, supports a deleterious effect; Has not been previously published as pathogenic or benign to our knowledge

NM_002206.3(ITGA7):c.3002A>T (p.Asn1001Ile)

Gene: ITGA7 (integrin subunit alpha 7; minus strand). Cytogenetic location: 12q13.2.
Variant type: single nucleotide variant.
Coding change: c.3002A>T on transcript NM_002206.3 (MANE Select); coding-DNA position 3002, A replaced by T.
Protein change: p.Asn1001Ile; replaces asparagine 1001 with isoleucine.
Molecular consequence: missense variant.
Genome position (GRCh38, 1-based): chr12:55,688,257, T>A on the plus strand (A>T on the coding strand, the complement: ITGA7 is on the minus strand). VCF-style: chr12-55688257-T-A. GRCh37 (hg19) VCF-style: chr12-56082041-T-A.
Other names: c.3014A>T, p.Asn1005Ile (NM_001144996.2); c.2723A>T, p.Asn908Ile (NM_001144997.2); c.2675A>T, p.Asn892Ile (NM_001367993.1); c.1658A>T, p.Asn553Ile (NM_001367994.1); c.2984A>T, p.Asn995Ile (NM_001374465.1); c.3134A>T, p.Asn1045Ile (NM_001410977.1); c.2996A>T, p.Asn999Ile (NM_001414029.1); c.2927A>T, p.Asn976Ile (NM_001414030.1); and 5 more; short protein forms N1001I, N1005I, N553I, N892I, N908I, N995I, N1045I, N999I.
Identifiers: ClinVar variation 1001861 (VCV001001861.10), dbSNP rs201796615, ClinGen allele CA6615376.